The following is an entry in ClinVar:

NM_001077350.3(NPRL3):c.1419C>T (p.Ser473=)

Genes: HBA-LCR (alpha-globin locus control region; plus strand), NPRL3 (NPR3 like, GATOR1 complex subunit; minus strand). Cytogenetic location: 16p13.3.
Variant type: single nucleotide variant.
Coding change: c.1419C>T on transcript NM_001077350.3 (MANE Select); coding-DNA position 1419, C replaced by T.
Protein change: p.Ser473=; no amino-acid change (serine 473 retained).
Molecular consequence: synonymous variant.
Genome position (GRCh38, 1-based): chr16:88,823, G>A on the plus strand (C>T on the coding strand, the complement: NPRL3 is on the minus strand). VCF-style: chr16-88823-G-A. GRCh37 (hg19) VCF-style: chr16-138821-G-A.
Other names: c.882C>T, p.Ser294= (NM_001039476.3); c.1185C>T, p.Ser395= (NM_001243247.2); c.1344C>T, p.Ser448= (NM_001243248.2, NM_001243249.2).
Identifiers: ClinVar variation 542812 (VCV000542812.30), dbSNP rs571533880, ClinGen allele CA7769333.

ClinVar aggregate classification (germline): Likely benign. Review status: criteria provided, multiple submitters, no conflicts (2 of 4 stars). 4 submissions from 4 submitters: Likely benign (3). 1 of the submissions does not count toward it. Last evaluated 2025-10-13.

Conditions:
NPRL3-related disorder. Also called: NPRL3-related condition.
Epilepsy, familial focal, with variable foci 3 (FFEVF3). Identifiers: MedGen C4310708, MONDO:0014925, OMIM 617118.

Allele frequency attached by ClinVar (database versions not stated): gnomAD exomes 0.00006 and 0.00018; gnomAD 0.00007 and 0.00009; TOPMed 0.00009; ExAC 0.00017; 1000 Genomes Project 30x 0.00031; 1000 Genomes Project 0.00040.
gnomAD v4.1: 95 of 1,613,818 alleles (0.0059%); highest among the groups gnomAD compares: East Asian, 0.13%; 1 homozygote.

Submissions (4):

Labcorp Genetics (formerly Invitae), Labcorp
Classification: Likely benign for Epilepsy, familial focal, with variable foci 3. Last evaluated: 2025-10-13. Review status: criteria provided, single submitter. Criteria: Invitae Variant Classification Sherloc (09022015). Collection method: clinical testing. Allele origin: germline.

Blueprint Genetics
Classification: Likely benign. Last evaluated: 2024-08-19. Review status: criteria provided, single submitter. Criteria: ACMG Guidelines, 2015. Collection method: clinical testing. Allele origin: germline.

CeGaT Center for Human Genetics Tuebingen
Classification: Likely benign. Last evaluated: 2024-07-01. Review status: criteria provided, single submitter. Criteria: CeGaT Center For Human Genetics Tuebingen Variant Classification Criteria Version 2. Collection method: clinical testing. Allele origin: germline. Affected: yes. Observed: 1 variant allele.
Comment: NPRL3: BP4, BP7

PreventionGenetics, part of Exact Sciences
Classification: Likely benign for NPRL3-related condition. Last evaluated: 2019-02-28. Review status: no assertion criteria provided. Collection method: clinical testing. Allele origin: germline. Not counted in ClinVar's aggregate classification.
Comment: This variant is classified as likely benign based on ACMG/AMP sequence variant interpretation guidelines (Richards et al. 2015 PMID: 25741868, with internal and published modifications).